The following is an entry in ClinVar:

ClinVar aggregate classification (germline): Benign/Likely benign. Review status: criteria provided, multiple submitters, no conflicts (2 of 4 stars). 7 submissions from 7 submitters: Benign (3); Likely benign (3). 1 of the submissions does not count toward it. Last evaluated 2026-01-18.

Conditions:
Developmental and epileptic encephalopathy, 54. Also called: HNRNPU-Related Neurodevelopmental Disorder; Epileptic encephalopathy, early infantile, 54. Identifiers: MedGen C4479319, MONDO:0033363, OMIM 617391.
HNRNPU-related disorder. Also called: HNRNPU-related condition.
Inborn genetic diseases. Identifiers: MedGen C0950123, MeSH D030342.

Allele frequency attached by ClinVar (database versions not stated): ExAC 0.00019; ESP Exome Variant Server 0.00024; gnomAD 0.00045 and 0.00049; 1000 Genomes Project 30x 0.00047; TOPMed 0.00059; 1000 Genomes Project 0.00060.
gnomAD v4.1: 166 of 1,609,296 alleles (0.01%); highest among the groups gnomAD compares: African/African-American, 0.15%; no homozygotes.

Submissions (7):

Labcorp Genetics (formerly Invitae), Labcorp
Classification: Benign for Developmental and epileptic encephalopathy, 54. Last evaluated: 2026-01-18. Review status: criteria provided, single submitter. Criteria: Invitae Variant Classification Sherloc (09022015). Collection method: clinical testing. Allele origin: germline.

Blueprint Genetics
Classification: Likely benign. Last evaluated: 2024-02-15. Review status: criteria provided, single submitter. Criteria: ACMG Guidelines, 2015. Collection method: clinical testing. Allele origin: germline.

Genetic Services Laboratory, University of Chicago
Classification: Benign. Last evaluated: 2019-03-13. Review status: criteria provided, single submitter. Criteria: ACMG Guidelines, 2015. Collection method: clinical testing. Allele origin: germline. Affected: no.

GeneDx
Classification: Benign. Last evaluated: 2019-02-27. Review status: criteria provided, single submitter. Criteria: GeneDx Variant Classification Process June 2021. Collection method: clinical testing. Allele origin: germline. Affected: yes.

Ambry Genetics
Classification: Likely benign for Inborn genetic diseases. Last evaluated: 2016-10-31. Review status: criteria provided, single submitter. Criteria: Ambry Variant Classification Scheme 2023. Collection method: clinical testing. Allele origin: germline.

Breakthrough Genomics
Classification: Likely benign. Review status: criteria provided, single submitter. Criteria: ACMG Guidelines, 2015. Collection method: not provided. Allele origin: germline. Inheritance: Autosomal dominant inheritance. Affected: yes.

PreventionGenetics, part of Exact Sciences
Classification: Likely benign for HNRNPU-related condition. Last evaluated: 2024-04-15. Review status: no assertion criteria provided. Collection method: clinical testing. Allele origin: germline. Not counted in ClinVar's aggregate classification.
Comment: This variant is classified as likely benign based on ACMG/AMP sequence variant interpretation guidelines (Richards et al. 2015 PMID: 25741868, with internal and published modifications).

NM_031844.3(HNRNPU):c.507G>A (p.Gln169=)

Gene: HNRNPU (heterogeneous nuclear ribonucleoprotein U; minus strand). Cytogenetic location: 1q44.
Variant type: single nucleotide variant.
Coding change: c.507G>A on transcript NM_031844.3 (MANE Select); coding-DNA position 507, G replaced by A.
Protein change: p.Gln169=; no amino-acid change (glutamine 169 retained).
Molecular consequence: synonymous variant.
Genome position (GRCh38, 1-based): chr1:244,863,801, C>T on the plus strand (G>A on the coding strand, the complement: HNRNPU is on the minus strand). VCF-style: chr1-244863801-C-T. GRCh37 (hg19) VCF-style: chr1-245027103-C-T.
Other names: c.507G>A, p.Gln169= (NM_004501.3).
Identifiers: ClinVar variation 446400 (VCV000446400.23), dbSNP rs139561508, ClinGen allele CA1486787.